The following is an entry in ClinVar:

ClinVar aggregate classification (germline): Uncertain significance (1 of 4 stars; one submission).

Conditions:
Cornelia de Lange syndrome 1 (CDLS1). Also called: Brachmann de Lange syndrome; NIPBL-Related Cornelia de Lange Syndrome; TYPUS DEGENERATIVUS AMSTELODAMENSIS. Identifiers: Orphanet 199, MedGen C4551851, MONDO:0007387, OMIM 122470.

Submission:

Labcorp Genetics (formerly Invitae), Labcorp
Classification: Uncertain significance for Cornelia de Lange syndrome 1. Last evaluated: 2025-09-23. Review status: criteria provided, single submitter. Criteria: Invitae Variant Classification Sherloc (09022015). Collection method: clinical testing. Allele origin: germline.
Comment: This sequence change replaces phenylalanine, which is neutral and non-polar, with tyrosine, which is neutral and polar, at codon 1221 of the NIPBL protein (p.Phe1221Tyr). This variant is not present in population databases (gnomAD no frequency). This variant has not been reported in the literature in individuals affected with NIPBL-related conditions. An algorithm developed to predict the effect of missense changes on protein structure and function (PolyPhen-2) suggests that this variant is likely to be tolerated. In summary, the available evidence is currently insufficient to determine the role of this variant in disease. Therefore, it has been classified as a Variant of Uncertain Significance.

NM_133433.4(NIPBL):c.3662T>A (p.Phe1221Tyr)

Gene: NIPBL (NIPBL cohesin loading factor; plus strand). Cytogenetic location: 5p13.2.
Variant type: single nucleotide variant.
Coding change: c.3662T>A on transcript NM_133433.4 (MANE Select); coding-DNA position 3662, T replaced by A.
Protein change: p.Phe1221Tyr; replaces phenylalanine 1221 with tyrosine.
Molecular consequence: missense variant.
Genome position (GRCh38, 1-based): chr5:37,001,076, T>A. VCF-style: chr5-37001076-T-A. GRCh37 (hg19) VCF-style: chr5-37001178-T-A.
Other names: c.3662T>A, p.Phe1221Tyr (NM_001438586.1, NM_015384.5); short protein forms F1221Y.
Identifiers: ClinVar variation 4727692 (VCV004727692.1).